The following is an entry in ClinVar:

ClinVar aggregate classification (germline): Conflicting classifications of pathogenicity. Review status: criteria provided, conflicting classifications (1 of 4 stars). 5 submissions from 5 submitters: Uncertain significance (4); Likely benign (1). Last evaluated 2025-09-10.

Conditions:
Intellectual disability, autosomal dominant 16 (CSS4). Also called: COFFIN-SIRIS SYNDROME 4. Identifiers: Orphanet 1465, MedGen C3553249, MONDO:0013821, OMIM 614609.
Rhabdoid tumor predisposition syndrome 2 (RTPS2). Identifiers: Orphanet 231108, Orphanet 69077, MedGen C2750074, MONDO:0013224, OMIM 613325.
Hereditary cancer-predisposing syndrome. Also called: Hereditary neoplastic syndrome; Neoplastic Syndromes, Hereditary; Tumor predisposition; Hereditary Cancer Syndrome. Identifiers: Orphanet 140162, MedGen C0027672, MeSH D009386, MONDO:0015356.

Allele frequency attached by ClinVar (database versions not stated): gnomAD exomes below 0.00001; TOPMed below 0.00001.
gnomAD v4.1: 7 of 1,612,522 alleles (0.00043%); highest among the groups gnomAD compares: Non-Finnish European, 0.00051%; no homozygotes.

Submissions (5):

Labcorp Genetics (formerly Invitae), Labcorp
Classification: Uncertain significance for Rhabdoid tumor predisposition syndrome 2. Last evaluated: 2025-09-10. Review status: criteria provided, single submitter. Criteria: Invitae Variant Classification Sherloc (09022015). Collection method: clinical testing. Allele origin: germline.
Comment: This sequence change replaces arginine, which is basic and polar, with histidine, which is basic and polar, at codon 1534 of the SMARCA4 protein (p.Arg1534His). This variant is not present in population databases (gnomAD no frequency). This variant has not been reported in the literature in individuals affected with SMARCA4-related conditions. ClinVar contains an entry for this variant (Variation ID: 470407). Invitae Evidence Modeling of protein sequence and biophysical properties (such as structural, functional, and spatial information, amino acid conservation, physicochemical variation, residue mobility, and thermodynamic stability) has been performed for this missense variant. However, the output from this modeling did not meet the statistical confidence thresholds required to predict the impact of this variant on SMARCA4 protein function. In summary, the available evidence is currently insufficient to determine the role of this variant in disease. Therefore, it has been classified as a Variant of Uncertain Significance.

Baylor Genetics
Classification: Uncertain significance for Rhabdoid tumor predisposition syndrome 2. Last evaluated: 2024-03-15. Review status: criteria provided, single submitter. Criteria: ACMG Guidelines, 2015. Collection method: clinical testing. Allele origin: unknown.

Ambry Genetics
Classification: Likely benign for Hereditary cancer-predisposing syndrome. Last evaluated: 2024-03-13. Review status: criteria provided, single submitter. Criteria: Ambry Variant Classification Scheme 2023. Collection method: clinical testing. Allele origin: germline.

GeneDx
Classification: Uncertain significance. Last evaluated: 2023-09-06. Review status: criteria provided, single submitter. Criteria: GeneDx Variant Classification Process June 2021. Collection method: clinical testing. Allele origin: germline. Affected: yes.
Comment: In silico analysis supports that this missense variant has a deleterious effect on protein structure/function; Has not been previously published as pathogenic or benign to our knowledge; This variant is associated with the following publications: (PMID: 24658002)

Genome-Nilou Lab
Classification: Uncertain significance for Intellectual disability, autosomal dominant 16. Last evaluated: 2021-07-15. Review status: criteria provided, single submitter. Criteria: ACMG Guidelines, 2015. Collection method: clinical testing. Allele origin: germline. Affected: no.

NM_003072.5(SMARCA4):c.4505G>A (p.Arg1502His)

Gene: SMARCA4 (SWI/SNF related BAF chromatin remodeling complex subunit ATPase 4; plus strand). Cytogenetic location: 19p13.2.
Variant type: single nucleotide variant.
Coding change: c.4505G>A on transcript NM_003072.5 (MANE Select); coding-DNA position 4505, G replaced by A.
Protein change: p.Arg1502His; replaces arginine 1502 with histidine.
Molecular consequence: missense variant. On other transcripts: non-coding transcript variant (1).
Genome position (GRCh38, 1-based): chr19:11,058,335, G>A. VCF-style: chr19-11058335-G-A. GRCh37 (hg19) VCF-style: chr19-11169011-G-A.
Other names: c.4505G>A, p.Arg1502His (NM_001128844.3); c.4415G>A, p.Arg1472His (NM_001128845.2); c.4412G>A, p.Arg1471His (NM_001128846.2); c.4406G>A, p.Arg1469His (NM_001128847.4, NM_001374457.1); c.4403G>A, p.Arg1468His (NM_001128848.2); c.4601G>A, p.Arg1534His (NM_001128849.3, NM_001387283.1); short protein forms R1534H, R1468H, R1502H, R1471H, R1472H, R1469H.
Identifiers: ClinVar variation 470407 (VCV000470407.19), dbSNP rs1555795063, ClinGen allele CA404077805.